The following is an entry in ClinVar:

NM_000128.4(F11):c.1276_1277insCTGTCTCT (p.Ile426fs)

Gene: F11 (coagulation factor XI; plus strand). Cytogenetic location: 4q35.2.
Variant type: Insertion.
Coding change: c.1276_1277insCTGTCTCT on transcript NM_000128.4 (MANE Select); coding-DNA positions 1276 to 1277, CTGTCTCT inserted.
Protein change: p.Ile426fs; shifts the reading frame from isoleucine 426.
Molecular consequence: frameshift variant.
Genome position: GRCh38 VCF-style: chr4-186284232-A-ACTGTCTCT. GRCh37 (hg19) VCF-style: chr4-187205386-A-ACTGTCTCT.
Other names: c.1228_1229insCTGTCTCT, p.Ile410fs (NM_001440590.1, NM_001440596.1); c.1276_1277insCTGTCTCT, p.Ile426fs (NM_001440593.1); c.1006_1007insCTGTCTCT, p.Ile336fs (NM_001440605.1, NM_001440607.1); c.958_959insCTGTCTCT, p.Ile320fs (NM_001440606.1, NM_001440608.1); short protein forms I320fs, I336fs, I410fs, I426fs.
Identifiers: ClinVar variation 5011015 (VCV005011015.1).

ClinVar aggregate classification (germline): Pathogenic (1 of 4 stars; one submission).

Conditions:
Hereditary factor XI deficiency disease. Also called: PLASMA THROMBOPLASTIN ANTECEDENT DEFICIENCY; PTA DEFICIENCY; ROSENTHAL SYNDROME; Congenital factor XI deficiency. Identifiers: Orphanet 329, MedGen C0015523, MeSH D005173, MONDO:0012897, OMIM 612416.

Submission:

Myriad Genetics, Inc.
Classification: Pathogenic for Hereditary factor XI deficiency disease. Last evaluated: 2024-05-14. Review status: criteria provided, single submitter. Criteria: Myriad Autosomal Dominant, Autosomal Recessive and X-Linked Classification Criteria (2023). Collection method: clinical testing. Allele origin: unknown.
Comment: NM_000128.3(F11):c.1276_1277ins8(I426Tfs*5) is expected to be pathogenic in the context of factor XI deficiency. This variant is predicted to lead to an abnormal or absent protein product due to the creation of a premature termination codon in F11, a gene where loss-of-function variants are known to be pathogenic. Please note: this variant was assessed in the context of healthy population screening.